The following is an entry in ClinVar:

ClinVar aggregate classification (germline): Uncertain significance. Review status: criteria provided, multiple submitters, no conflicts (2 of 4 stars). 4 submissions from 4 submitters: Uncertain significance (4). Last evaluated 2026-04-28.

Conditions:
Inborn genetic diseases. Identifiers: MedGen C0950123, MeSH D030342.

Allele frequency attached by ClinVar (database versions not stated): gnomAD exomes below 0.00001 and 0.00001; TOPMed 0.00002.

Submissions (4):

Women's Health and Genetics/Laboratory Corporation of America, LabCorp
Classification: Uncertain significance. Last evaluated: 2026-04-28. Review status: criteria provided, single submitter. Criteria: LabCorp Variant Classification Summary - May 2015. Collection method: clinical testing. Allele origin: germline.
Comment: Variant summary: POU4F3 c.98G>A (p.Arg33Gln) results in a conservative amino acid change in the encoded protein sequence. Algorithms developed to predict the effect of missense changes on protein structure and function are either unavailable or do not agree on the potential impact of this missense change. The variant allele was found at a frequency of 4e-06 in 251476 control chromosomes. The available data on variant occurrences in the general population are insufficient to allow any conclusion about variant significance. To our knowledge, no occurrence of c.98G>A in individuals affected with POU4F3-related conditions and no experimental evidence demonstrating its impact on protein function have been reported. ClinVar contains an entry for this variant (Variation ID: 1513544). Based on the evidence outlined above, the variant was classified as uncertain significance.

Ambry Genetics
Classification: Uncertain significance for Inborn genetic diseases. Last evaluated: 2025-12-15. Review status: criteria provided, single submitter. Criteria: Ambry Variant Classification Scheme 2023. Collection method: clinical testing. Allele origin: germline.

Labcorp Genetics (formerly Invitae), Labcorp
Classification: Uncertain significance. Last evaluated: 2024-03-11. Review status: criteria provided, single submitter. Criteria: Invitae Variant Classification Sherloc (09022015). Collection method: clinical testing. Allele origin: germline.
Comment: This sequence change replaces arginine, which is basic and polar, with glutamine, which is neutral and polar, at codon 33 of the POU4F3 protein (p.Arg33Gln). This variant is present in population databases (no rsID available, gnomAD 0.007%). This variant has not been reported in the literature in individuals affected with POU4F3-related conditions. ClinVar contains an entry for this variant (Variation ID: 1513544). An algorithm developed to predict the effect of missense changes on protein structure and function (PolyPhen-2) suggests that this variant is likely to be disruptive. In summary, the available evidence is currently insufficient to determine the role of this variant in disease. Therefore, it has been classified as a Variant of Uncertain Significance.

GeneDx
Classification: Uncertain significance. Last evaluated: 2022-11-04. Review status: criteria provided, single submitter. Criteria: GeneDx Variant Classification Process June 2021. Collection method: clinical testing. Allele origin: germline. Affected: yes.
Comment: Not observed at significant frequency in large population cohorts (gnomAD); In silico analysis supports that this missense variant does not alter protein structure/function; Has not been previously published as pathogenic or benign to our knowledge

NM_002700.3(POU4F3):c.98G>A (p.Arg33Gln)

Genes: POU4F3 (POU class 4 homeobox 3; plus strand), RBM27-POU4F3 (RBM27-POU4F3 readthrough; plus strand). Cytogenetic location: 5q32.
Variant type: single nucleotide variant.
Coding change: c.98G>A on transcript NM_002700.3 (MANE Select); coding-DNA position 98, G replaced by A.
Protein change: p.Arg33Gln; replaces arginine 33 with glutamine.
Molecular consequence: missense variant.
Genome position (GRCh38, 1-based): chr5:146,339,210, G>A. VCF-style: chr5-146339210-G-A. GRCh37 (hg19) VCF-style: chr5-145718773-G-A.
Other names: c.98G>A (NM_002700.2); short protein forms R33Q.
Identifiers: ClinVar variation 1513544 (VCV001513544.11), dbSNP rs867376573, ClinGen allele CA128860127.
Genomic context (GRCh38, chr5:146,339,210, plus strand): 5'-ACCCGGTGCTGCAAGAACCCAAATTCTCCAGTCTGCACTCTGGCTCCGAGGCCATGCGCC[G>A]AGTCTGTCTCCCAGCCCCGCAGGTACGTAGTGGAGCATAATTACCGCTCTAAGGCACATT-3'
Protein context (NP_002691.1, residues 23-43): SLHSGSEAMR[Arg33Gln]VCLPAPQLQG